The following is an entry in ClinVar:

ClinVar aggregate classification (germline): Uncertain significance. Review status: criteria provided, multiple submitters, no conflicts (2 of 4 stars). 3 submissions from 3 submitters: Uncertain significance (3). Last evaluated 2023-11-20.

Conditions:
Inborn genetic diseases. Identifiers: MedGen C0950123, MeSH D030342.
Wilson disease (WND). Also called: Wilson's disease. Identifiers: Orphanet 905, MedGen C0019202, MONDO:0010200, OMIM 277900. Disease mechanism: loss of function.

Allele frequency attached by ClinVar (database versions not stated): gnomAD exomes below 0.00001; TOPMed below 0.00001; gnomAD 0.00002.
gnomAD v4.1: 6 of 1,614,052 alleles (0.00037%); highest among the groups gnomAD compares: African/African-American, 0.0067%; no homozygotes.

Submissions (3):

All of Us Research Program, National Institutes of Health
Classification: Uncertain significance for Wilson disease. Last evaluated: 2023-11-20. Review status: criteria provided, single submitter. Criteria: ACMG Guidelines, 2015. Collection method: clinical testing. Allele origin: germline. Inheritance: Autosomal recessive inheritance. Observed: 1 variant allele, 1 heterozygote.
Comment: This missense variant replaces tyrosine with cysteine at codon 719 of the ATP7B protein. Computational prediction suggests that this variant may have deleterious impact on protein structure and function (internally defined REVEL score threshold >= 0.7, PMID: 27666373). This variant alters a conserved tyrosine residue in the transmembrane domain MB of the ATP7B protein (a.a. 694 - 724), a highly conserved region that is considered to be important for ATP7B protein function (PMID: 35245129; ClinVar). To our knowledge, functional studies have not been reported for this variant. This variant has been reported in individuals affected with Wilson disease (PMID: 27022412, 34470610). This variant has not been identified in the general population by the Genome Aggregation Database (gnomAD). The available evidence is insufficient to determine the role of this variant in disease conclusively. Therefore, this variant is classified as a Variant of Uncertain Significance.

This study involves interpretation of variants in research participants for the purpose of population health screening. Participant phenotype was not available at the time of variant classification. Additional details can be found in publication PMID: 35346344, PMCID: PMC8962531

Color Diagnostics, LLC DBA Color Health
Classification: Uncertain significance for Wilson disease. Last evaluated: 2023-10-27. Review status: criteria provided, single submitter. Criteria: ACMG Guidelines, 2015. Collection method: clinical testing. Allele origin: germline.
Comment: This missense variant replaces tyrosine with cysteine at codon 719 of the ATP7B protein. Computational prediction suggests that this variant may have deleterious impact on protein structure and function. This variant alters a conserved tyrosine residue in the transmembrane domain MB of the ATP7B protein (a.a. 694 - 724), a highly conserved region that is considered to be important for ATP7B protein function (PMID: 35245129ClinVar). To our knowledge, functional studies have not been reported for this variant. This variant has been reported in individuals affected with Wilson disease (PMID: 27022412, 34470610). This variant has not been identified in the general population by the Genome Aggregation Database (gnomAD). The available evidence is insufficient to determine the role of this variant in disease conclusively. Therefore, this variant is classified as a Variant of Uncertain Significance.

Ambry Genetics
Classification: Uncertain significance for Inborn genetic diseases. Last evaluated: 2022-05-06. Review status: criteria provided, single submitter. Criteria: Ambry Variant Classification Scheme 2023. Collection method: clinical testing. Allele origin: germline.

Literature cited by the submitters: PubMed 27022412 (cited by 3 submitters); PubMed 34470610 (cited by All of Us Research Program, National Institutes of Health and Color Diagnostics, LLC DBA Color Health); PubMed 35245129 (cited by All of Us Research Program, National Institutes of Health and Color Diagnostics, LLC DBA Color Health).

NM_000053.4(ATP7B):c.2156A>G (p.Tyr719Cys)

Gene: ATP7B (ATPase copper transporting beta; minus strand). Cytogenetic location: 13q14.3.
Variant type: single nucleotide variant.
Coding change: c.2156A>G on transcript NM_000053.4 (MANE Select); coding-DNA position 2156, A replaced by G.
Protein change: p.Tyr719Cys; replaces tyrosine 719 with cysteine.
Molecular consequence: missense variant. On other transcripts: intron variant (2).
Genome position (GRCh38, 1-based): chr13:51,958,510, T>C on the plus strand (A>G on the coding strand, the complement: ATP7B is on the minus strand). VCF-style: chr13-51958510-T-C. GRCh37 (hg19) VCF-style: chr13-52532646-T-C.
Other names: c.1823A>G, p.Tyr608Cys (NM_001243182.2); c.1904A>G, p.Tyr635Cys (NM_001330579.2, NM_001406531.1, NM_001406532.1 and 1 more transcripts); c.2156A>G, p.Tyr719Cys (NM_001406511.1, NM_001406512.1, NM_001406513.1 and 7 more transcripts); c.2123A>G, p.Tyr708Cys (NM_001406514.1); c.2060A>G, p.Tyr687Cys (NM_001406517.1, NM_001406518.1); c.1727A>G, p.Tyr576Cys (NM_001406539.1); c.1808A>G, p.Tyr603Cys (NM_001406543.1); c.1870-903A>G (NM_001005918.3); and 1 more; short protein forms Y603C, Y708C, Y687C, Y576C, Y608C, Y635C, Y719C.
Identifiers: ClinVar variation 2280226 (VCV002280226.4), dbSNP rs1003203457, ClinGen allele CA250060012.
Genomic context (GRCh38, chr13:51,958,510, plus strand): 5'-ATGCTTGTGGCCAGGACGATGAGCACGTCCATGTTGGCTGACCTGTGTCTCAGAGATTTG[T>C]AGGCCTGAACGTAGAAGTACCACCCACCGAGGAGCTGAAAGACAAGGACAGTGAAGGCTG-3'
Protein context (NP_000044.2, residues 709-729): LGGWYFYVQA[Tyr719Cys]KSLRHRSANM